The following is an entry in ClinVar:

ClinVar aggregate classification (germline): Conflicting classifications of pathogenicity. Review status: criteria provided, conflicting classifications (1 of 4 stars). 3 submissions from 3 submitters: Uncertain significance (1); Likely benign (2). Last evaluated 2024-12-09.

Conditions:
Inborn genetic diseases. Identifiers: MedGen C0950123, MeSH D030342.

Allele frequency attached by ClinVar (database versions not stated): ExAC 0.00004; gnomAD 0.00004; TOPMed 0.00007.
gnomAD v4.1: 100 of 1,612,348 alleles (0.0062%); highest among the groups gnomAD compares: East Asian, 0.013%; no homozygotes.

Submissions (3):

Labcorp Genetics (formerly Invitae), Labcorp
Classification: Uncertain significance. Last evaluated: 2024-12-09. Review status: criteria provided, single submitter. Criteria: Invitae Variant Classification Sherloc (09022015). Collection method: clinical testing. Allele origin: germline.
Comment: This sequence change replaces arginine, which is basic and polar, with glutamine, which is neutral and polar, at codon 3051 of the ASPM protein (p.Arg3051Gln). This variant is present in population databases (rs368000478, gnomAD 0.01%). This variant has not been reported in the literature in individuals affected with ASPM-related conditions. ClinVar contains an entry for this variant (Variation ID: 1210674). An algorithm developed to predict the effect of missense changes on protein structure and function outputs the following: PolyPhen-2: "Benign". The glutamine amino acid residue is found in multiple mammalian species, which suggests that this missense change does not adversely affect protein function. In summary, the available evidence is currently insufficient to determine the role of this variant in disease. Therefore, it has been classified as a Variant of Uncertain Significance.

Ambry Genetics
Classification: Likely benign for Inborn genetic diseases. Last evaluated: 2022-11-21. Review status: criteria provided, single submitter. Criteria: Ambry Variant Classification Scheme 2023. Collection method: clinical testing. Allele origin: germline.

GeneDx
Classification: Likely benign. Last evaluated: 2019-12-18. Review status: criteria provided, single submitter. Criteria: GeneDx Variant Classification Process June 2021. Collection method: clinical testing. Allele origin: germline. Affected: yes.

NM_018136.5(ASPM):c.9152G>A (p.Arg3051Gln)

Gene: ASPM (assembly factor for spindle microtubules; minus strand). Cytogenetic location: 1q31.3.
Variant type: single nucleotide variant.
Coding change: c.9152G>A on transcript NM_018136.5 (MANE Select); coding-DNA position 9152, G replaced by A.
Protein change: p.Arg3051Gln; replaces arginine 3051 with glutamine.
Molecular consequence: missense variant.
Genome position (GRCh38, 1-based): chr1:197,093,194, C>T on the plus strand (G>A on the coding strand, the complement: ASPM is on the minus strand). VCF-style: chr1-197093194-C-T. GRCh37 (hg19) VCF-style: chr1-197062324-C-T.
Other names: c.4397G>A, p.Arg1466Gln (NM_001206846.2); short protein forms R1466Q, R3051Q.
Identifiers: ClinVar variation 1210674 (VCV001210674.8), dbSNP rs368000478, ClinGen allele CA1309029.
Genomic context (GRCh38, chr1:197,093,194, plus strand): 5'-TGCTTTCCAGCCTCCCTGGCTCGTATATATTTTTGTATGATCAAAGCAGCAGATTTCTGC[C>T]GAAGAAAGACCTGCCTTCCTTTATATCCTCTATAATGTGCTTGGATCAAACAAGCAGCTC-3'
Protein context (NP_060606.3, residues 3041-3061): RGYKGRQVFL[Arg3051Gln]QKSAALIIQK